The following is an entry in ClinVar:

NM_001077365.2(POMT1):c.1366-12C>T

Gene: POMT1 (protein O-mannosyltransferase 1; plus strand). Cytogenetic location: 9q34.13.
Variant type: single nucleotide variant.
Coding change: c.1366-12C>T on transcript NM_001077365.2 (MANE Select); 12 bases into the intron before coding-DNA position 1366, C replaced by T.
Molecular consequence: intron variant. On other transcripts: non-coding transcript variant (5).
Genome position (GRCh38, 1-based): chr9:131,518,825, C>T. VCF-style: chr9-131518825-C-T. GRCh37 (hg19) VCF-style: chr9-134394212-C-T.
Other names: c.1270-12C>T (NM_001353198.2, NM_001353197.2); c.1432-12C>T (NM_001353193.2, NM_007171.4); c.1366-12C>T (NM_001136113.2); c.1204-12C>T (NM_001353194.2, NM_001077366.2); c.1015-12C>T (NM_001374691.1, NM_001353195.2, NM_001374692.1 and 2 more transcripts); c.1365+288C>T (NM_001374690.1); c.1276-12C>T (NM_001353196.2); c.976-12C>T (NM_001374695.1); and 3 more.
Identifiers: ClinVar variation 385241 (VCV000385241.9), dbSNP rs757666938, ClinGen allele CA5293679.

ClinVar aggregate classification (germline): Likely benign. Review status: criteria provided, multiple submitters, no conflicts (2 of 4 stars). 2 submissions from 2 submitters: Likely benign (2). Last evaluated 2025-06-03.

Conditions:
Autosomal recessive limb-girdle muscular dystrophy type 2K. Also called: MUSCULAR DYSTROPHY, LIMB-GIRDLE, TYPE 2K; MUSCULAR DYSTROPHY-DYSTROGLYCANOPATHY (LIMB-GIRDLE), TYPE C, 1. Identifiers: Orphanet 86812, MedGen C1836373, MONDO:0012248, OMIM 609308.
Walker-Warburg congenital muscular dystrophy. Also called: Muscular dystrophy-dystroglycanopathy, type A; Walker-Warburg syndrome. Identifiers: Orphanet 899, MedGen C0265221, MONDO:0000171.
Muscular dystrophy-dystroglycanopathy (congenital with impaired intellectual development), type B, 1. Also called: Muscular dystrophy-dystroglycanopathy (congenital with intellectual disability), type B1; MUSCULAR DYSTROPHY, CONGENITAL, POMT1-RELATED. Identifiers: MedGen C5436962, MONDO:0013159, OMIM 613155.

Allele frequency attached by ClinVar (database versions not stated): gnomAD exomes 0.00001; TOPMed 0.00003; ExAC 0.00001; gnomAD 0.00003.
gnomAD v4.1: 21 of 1,613,820 alleles (0.0013%); highest among the groups gnomAD compares: East Asian, 0.0067%; no homozygotes.

Submissions (2):

Labcorp Genetics (formerly Invitae), Labcorp
Classification: Likely benign for Muscular dystrophy-dystroglycanopathy (congenital with impaired intellectual development), type B, 1; Walker-Warburg congenital muscular dystrophy; Autosomal recessive limb-girdle muscular dystrophy type 2K. Last evaluated: 2025-06-03. Review status: criteria provided, single submitter. Criteria: Invitae Variant Classification Sherloc (09022015). Collection method: clinical testing. Allele origin: germline.

GeneDx
Classification: Likely benign. Last evaluated: 2016-03-30. Review status: criteria provided, single submitter. Criteria: GeneDx Variant Classification (06012015). Collection method: clinical testing. Allele origin: germline. Affected: yes.
Comment: This variant is considered likely benign or benign based on one or more of the following criteria: it is a conservative change, it occurs at a poorly conserved position in the protein, it is predicted to be benign by multiple in silico algorithms, and/or has population frequency not consistent with disease.